The following is an entry in ClinVar:

NM_024528.4(NKAP):c.435A>G (p.Val145=)

Gene: NKAP (NFKB activating protein; minus strand). Cytogenetic location: Xq24.
Variant type: single nucleotide variant.
Coding change: c.435A>G on transcript NM_024528.4 (MANE Select); coding-DNA position 435, A replaced by G.
Protein change: p.Val145=; no amino-acid change (valine 145 retained).
Molecular consequence: synonymous variant.
Genome position (GRCh38, 1-based): chrX:119,938,762, T>C on the plus strand (A>G on the coding strand, the complement: NKAP is on the minus strand). VCF-style: chrX-119938762-T-C. GRCh37 (hg19) VCF-style: chrX-119072725-T-C.
Identifiers: ClinVar variation 4525952 (VCV004525952.1).

ClinVar aggregate classification (germline): Likely benign (1 of 4 stars; one submission).

Submission:

Women's Health and Genetics/Laboratory Corporation of America, LabCorp
Classification: Likely benign. Last evaluated: 2025-07-14. Review status: criteria provided, single submitter. Criteria: LabCorp Variant Classification Summary - May 2015. Collection method: clinical testing. Allele origin: germline.
Comment: Variant summary: NKAP c.435A>G results in a synonymous change. Consensus agreement among computation tools predict no significant impact on normal splicing. However, these predictions have yet to be confirmed by functional studies. The variant allele was found at a frequency of 5.7e-06 in 176321 control chromosomes. The available data on variant occurrences in the general population are insufficient to allow any conclusion about variant significance. To our knowledge, no occurrence of c.435A>G in individuals affected with Intellectual Developmental Disorder, X-Linked, Syndromic, Hackmann-Di Donato Type and no experimental evidence demonstrating its impact on protein function have been reported. No submitters have cited clinical-significance assessments for this variant to ClinVar. Based on the evidence outlined above, the variant was classified as likely benign.